The following is an entry in ClinVar:

ClinVar aggregate classification (germline): Benign/Likely benign. Review status: criteria provided, multiple submitters, no conflicts (2 of 4 stars). 7 submissions from 7 submitters: Benign (4); Likely benign (2). 1 of the submissions does not count toward it. Last evaluated 2026-06-01.

Conditions:
ELMOD3-related disorder. Also called: ELMOD3-related condition.

Allele frequency attached by ClinVar (database versions not stated): 1000 Genomes Project 0.00319; 1000 Genomes Project 30x 0.00406; gnomAD exomes 0.00572 and 0.00918; gnomAD 0.00591 and 0.00602; ExAC 0.00595; TOPMed 0.00627; ESP Exome Variant Server 0.00907.

Submissions (7):

CeGaT Center for Human Genetics Tuebingen
Classification: Benign. Last evaluated: 2026-06-01. Review status: criteria provided, single submitter. Criteria: CeGaT Center For Human Genetics Tuebingen Variant Classification Criteria Version 2. Collection method: clinical testing. Allele origin: germline. Affected: yes. Observed: 3 variant alleles.
Comment: ELMOD3: BP4, BS1, BS2

Labcorp Genetics (formerly Invitae), Labcorp
Classification: Likely benign. Last evaluated: 2026-01-21. Review status: criteria provided, single submitter. Criteria: Invitae Variant Classification Sherloc (09022015). Collection method: clinical testing. Allele origin: germline.

Mayo Clinic Laboratories, Mayo Clinic
Classification: Benign. Last evaluated: 2019-07-03. Review status: criteria provided, single submitter. Criteria: ACMG Guidelines, 2015. Collection method: clinical testing. Allele origin: germline. Observed: 4 variant alleles.

GeneDx
Classification: Benign. Last evaluated: 2018-10-11. Review status: criteria provided, single submitter. Criteria: GeneDx Variant Classification Process June 2021. Collection method: clinical testing. Allele origin: germline. Affected: yes.

Eurofins Ntd Llc (ga)
Classification: Benign. Last evaluated: 2017-07-24. Review status: criteria provided, single submitter. Criteria: EGL Classification Definitions 2015. Collection method: clinical testing. Allele origin: germline. Observed: 1 variant allele, 1 heterozygote.

Breakthrough Genomics
Classification: Likely benign. Review status: criteria provided, single submitter. Criteria: ACMG Guidelines, 2015. Collection method: not provided. Allele origin: germline. Inheritance: Autosomal recessive inheritance. Affected: yes.

PreventionGenetics, part of Exact Sciences
Classification: Benign for ELMOD3-related condition. Last evaluated: 2019-12-05. Review status: no assertion criteria provided. Collection method: clinical testing. Allele origin: germline. Not counted in ClinVar's aggregate classification.
Comment: This variant is classified as benign based on ACMG/AMP sequence variant interpretation guidelines (Richards et al. 2015 PMID: 25741868, with internal and published modifications).

NM_001135022.2(ELMOD3):c.865G>A (p.Ala289Thr)

Gene: ELMOD3 (ELMO domain containing 3; plus strand). Cytogenetic location: 2p11.2.
Variant type: single nucleotide variant.
Coding change: c.865G>A on transcript NM_001135022.2 (MANE Select); coding-DNA position 865, G replaced by A.
Protein change: p.Ala289Thr; replaces alanine 289 with threonine.
Molecular consequence: missense variant. On other transcripts: non-coding transcript variant (3).
Genome position (GRCh38, 1-based): chr2:85,390,187, G>A. VCF-style: chr2-85390187-G-A. GRCh37 (hg19) VCF-style: chr2-85617310-G-A.
Other names: p.Ala289Thr; c.865G>A, p.Ala289Thr (NM_001135021.2, NM_001135023.2, NM_001329791.2 and 2 more transcripts); short protein forms A289T.
Identifiers: ClinVar variation 508569 (VCV000508569.44), dbSNP rs34973107, ClinGen allele CA1740528.